The following is an entry in ClinVar:

ClinVar aggregate classification (germline): Uncertain significance (1 of 4 stars; one submission).

Conditions:
Joubert syndrome. Also called: CEREBELLOPARENCHYMAL DISORDER IV; JOUBERT-BOLTSHAUSER SYNDROME; Familial aplasia of the vermis. Identifiers: Orphanet 475, MedGen C5979921, MONDO:0018772.

Allele frequency attached by ClinVar (database versions not stated): gnomAD exomes below 0.00001.
gnomAD v4.1: 1 of 1,552,690 alleles (0.000064%); highest among the groups gnomAD compares: South Asian, 0.0012%; no homozygotes.

Submission:

Labcorp Genetics (formerly Invitae), Labcorp
Classification: Uncertain significance for Joubert syndrome. Last evaluated: 2022-02-08. Review status: criteria provided, single submitter. Criteria: Invitae Variant Classification Sherloc (09022015). Collection method: clinical testing. Allele origin: germline.
Comment: This sequence change falls in intron 10 of the AHI1 gene. It does not directly change the encoded amino acid sequence of the AHI1 protein. It affects a nucleotide within the consensus splice site. This variant is not present in population databases (gnomAD no frequency). This variant has not been reported in the literature in individuals affected with AHI1-related conditions. Variants that disrupt the consensus splice site are a relatively common cause of aberrant splicing (PMID: 17576681, 9536098). Algorithms developed to predict the effect of sequence changes on RNA splicing suggest that this variant may disrupt the consensus splice site. In summary, the available evidence is currently insufficient to determine the role of this variant in disease. Therefore, it has been classified as a Variant of Uncertain Significance.

Literature cited by the submitters: PubMed 17576681; PubMed 9536098.

NM_001134831.2(AHI1):c.1440+5G>A

Gene: AHI1 (Abelson helper integration site 1; minus strand). Cytogenetic location: 6q23.3.
Variant type: single nucleotide variant.
Coding change: c.1440+5G>A on transcript NM_001134831.2 (MANE Select); 5 bases into the intron after coding-DNA position 1440, G replaced by A.
Molecular consequence: intron variant.
Genome position (GRCh38, 1-based): chr6:135,453,336, C>T on the plus strand (G>A on the coding strand, the complement: AHI1 is on the minus strand). VCF-style: chr6-135453336-C-T. GRCh37 (hg19) VCF-style: chr6-135774474-C-T.
Other names: c.1440+5G>A (NM_001134830.2, NM_001350503.2, NM_017651.5 and 2 more transcripts).
Identifiers: ClinVar variation 2094908 (VCV002094908.1), dbSNP rs2484851820, ClinGen allele CA2580075070.
Genomic context (GRCh38, chr6:135,453,336, plus strand): 5'-GGAGAAAGCAGCCAACTAAATTTGAAGACTAGTTTTAAAGTGTTTAAAATGGATGAAAAA[C>T]ATACCTTAAGAAATGCCCAGGCAATTTTCCGAAAGCCACATTCTTGGTTTTGAACCTCAG-3'